The following is an entry in ClinVar:

NM_002519.3(NPAT):c.3866C>G (p.Ala1289Gly)

Gene: NPAT (nuclear protein, coactivator of histone transcription; minus strand). Cytogenetic location: 11q22.3.
Variant type: single nucleotide variant.
Coding change: c.3866C>G on transcript NM_002519.3 (MANE Select); coding-DNA position 3866, C replaced by G.
Protein change: p.Ala1289Gly; replaces alanine 1289 with glycine.
Molecular consequence: missense variant.
Genome position (GRCh38, 1-based): chr11:108,161,220, G>C on the plus strand (C>G on the coding strand, the complement: NPAT is on the minus strand). VCF-style: chr11-108161220-G-C. GRCh37 (hg19) VCF-style: chr11-108031947-G-C.
Other names: c.3887C>G, p.Ala1296Gly (NM_001321307.1); short protein forms A1289G, A1296G.
Identifiers: ClinVar variation 2453790 (VCV002453790.2), dbSNP rs754396326, ClinGen allele CA382509874.

ClinVar aggregate classification (germline): Uncertain significance (1 of 4 stars; one submission).

gnomAD v4.1: 1 of 1,614,116 alleles (0.000062%); highest among the groups gnomAD compares: Non-Finnish European, 0.000085%; no homozygotes.

Submission:

Ambry Genetics
Classification: Uncertain significance. Last evaluated: 2023-02-09. Review status: criteria provided, single submitter. Criteria: Ambry Variant Classification Scheme 2023. Collection method: clinical testing. Allele origin: germline.
Comment: The p.A1289G variant (also known as c.3866C>G), located in coding exon 17 of the NPAT gene, results from a C to G substitution at nucleotide position 3866. The alanine at codon 1289 is replaced by glycine, an amino acid with similar properties. This amino acid position is conserved. In addition, this alteration is predicted to be tolerated by in silico analysis. Since supporting evidence is limited at this time, the clinical significance of this alteration remains unclear.